The following is an entry in ClinVar:

ClinVar aggregate classification (germline): Uncertain significance. Review status: criteria provided, multiple submitters, no conflicts (2 of 4 stars). 3 submissions from 3 submitters: Uncertain significance (2). 1 of the submissions does not count toward it. Last evaluated 2026-04-14.

Conditions:
Familial intrahepatic cholestasis. Identifiers: Orphanet 284385, MedGen CN296401, MONDO:0017290.
Progressive familial intrahepatic cholestasis type 2. Identifiers: Orphanet 79304, MedGen C3489789, MONDO:0011156, OMIM 601847.
Cholestasis, intrahepatic, of pregnancy, 3. Identifiers: Orphanet 69665, MedGen C3554241, MONDO:0013995, OMIM 614972.

Allele frequency attached by ClinVar (database versions not stated): TOPMed 0.00003.
gnomAD v4.1: 46 of 1,613,414 alleles (0.0029%); highest among the groups gnomAD compares: Non-Finnish European, 0.0038%; no homozygotes.

Submissions (3):

Genomenon, Inc
Classification: Uncertain significance for Familial intrahepatic cholestasis. Last evaluated: 2026-04-14. Review status: criteria provided, single submitter. Criteria: Genomenon Sequence Variant Interpretation Standards - Updated. Collection method: curation. Allele origin: germline. Affected: yes.
Comment: ABCB11 p.Arg1226Leu (c.3677G>T) is a missense variant that changes the amino acid at residue 1226 from Arginine to Leucine. This variant has been observed in at least one proband with an ABCB11-related disorder (PMID:32581362). It is absent or not present at a significant frequency in gnomAD. In silico models predict that this variant is possibly or probably damaging. In conclusion, we classify ABCB11 p.Arg1226Leu (c.3677G>T) as a variant of uncertain significance.

Broad Center for Mendelian Genomics, Broad Institute of MIT and Harvard
Classification: Uncertain significance for Progressive familial intrahepatic cholestasis type 2. Last evaluated: 2025-01-22. Review status: criteria provided, single submitter. Criteria: ACMG Guidelines, 2015. Collection method: curation. Allele origin: germline. Inheritance: Autosomal recessive inheritance.
Comment: The p.Arg1226Leu variant in ABCB11 has not been previously reported in the literature in individuals with BSEP deficiency, but has been identified in 0.004% (45/1179712) of European (non-Finnish) chromosomes by the Genome Aggregation Database (gnomAD; dbSNP rs778992761). Although this variant has been seen in the general population in a heterozygous state, its frequency is low enough to be consistent with a recessive carrier frequency. This variant has also been reported in ClinVar (Variation ID: 812746) and has been interpreted as likely pathogenic by NIHR Bioresource Rare Diseases (University of Cambridge). Computational prediction tools and conservation analyses suggest that this variant may impact the protein, though this information is not predictive enough to determine pathogenicity. In summary, while there is some suspicion for a pathogenic role, the clinical significance of this variant is uncertain. ACMG/AMP Criteria applied: PP3_moderate, PM2_supporting (Richards 2015).

NIHR Bioresource Rare Diseases, University of Cambridge
Classification: Likely pathogenic for Cholestasis, intrahepatic, of pregnancy, 3. Review status: no assertion criteria provided. Collection method: research. Allele origin: unknown. Affected: yes. Observed: 1 variant allele. Not counted in ClinVar's aggregate classification.

Literature cited by the submitters: PubMed 32581362 (cited by Genomenon, Inc and NIHR Bioresource Rare Diseases, University of Cambridge).

NM_003742.4(ABCB11):c.3677G>T (p.Arg1226Leu)

Gene: ABCB11 (ATP binding cassette subfamily B member 11; minus strand). Cytogenetic location: 2q31.1.
Variant type: single nucleotide variant.
Coding change: c.3677G>T on transcript NM_003742.4 (MANE Select); coding-DNA position 3677, G replaced by T.
Protein change: p.Arg1226Leu; replaces arginine 1226 with leucine.
Molecular consequence: missense variant.
Genome position (GRCh38, 1-based): chr2:168,924,745, C>A on the plus strand (G>T on the coding strand, the complement: ABCB11 is on the minus strand). VCF-style: chr2-168924745-C-A. GRCh37 (hg19) VCF-style: chr2-169781255-C-A.
Other names: NM_003742.4(ABCB11):c.3677G>T; p.Arg1226Leu; short protein forms R1226L.
Identifiers: ClinVar variation 812746 (VCV000812746.3), dbSNP rs778992761, ClinGen allele CA1950964.